The following is an entry in ClinVar:

ClinVar aggregate classification (germline): Uncertain significance. Review status: criteria provided, multiple submitters, no conflicts (2 of 4 stars). 4 submissions from 4 submitters: Uncertain significance (4). Last evaluated 2025-06-10.

Conditions:
Hereditary cancer-predisposing syndrome. Also called: Hereditary Cancer Syndrome; Neoplastic Syndromes, Hereditary; Tumor predisposition; Hereditary neoplastic syndrome. Identifiers: Orphanet 140162, MedGen C0027672, MeSH D009386, MONDO:0015356.

Allele frequency attached by ClinVar (database versions not stated): gnomAD exomes below 0.00001.
gnomAD v4.1: 2 of 1,613,826 alleles (0.00012%); highest among the groups gnomAD compares: Non-Finnish European, 0.00017%; no homozygotes.

Submissions (4):

Labcorp Genetics (formerly Invitae), Labcorp
Classification: Uncertain significance. Last evaluated: 2025-06-10. Review status: criteria provided, single submitter. Criteria: Invitae Variant Classification Sherloc (09022015). Collection method: clinical testing. Allele origin: germline.
Comment: This sequence change replaces cysteine, which is neutral and slightly polar, with arginine, which is basic and polar, at codon 2148 of the POLE protein (p.Cys2148Arg). This variant is not present in population databases (gnomAD no frequency). This variant has not been reported in the literature in individuals affected with POLE-related conditions. ClinVar contains an entry for this variant (Variation ID: 858788). Invitae Evidence Modeling of protein sequence and biophysical properties (such as structural, functional, and spatial information, amino acid conservation, physicochemical variation, residue mobility, and thermodynamic stability) indicates that this missense variant is not expected to disrupt POLE protein function with a negative predictive value of 80%. In summary, the available evidence is currently insufficient to determine the role of this variant in disease. Therefore, it has been classified as a Variant of Uncertain Significance.

Ambry Genetics
Classification: Uncertain significance for Hereditary cancer-predisposing syndrome. Last evaluated: 2025-01-23. Review status: criteria provided, single submitter. Criteria: Ambry Variant Classification Scheme 2023. Collection method: clinical testing. Allele origin: germline.
Comment: The p.C2148R variant (also known as c.6442T>C), located in coding exon 46 of the POLE gene, results from a T to C substitution at nucleotide position 6442. The cysteine at codon 2148 is replaced by arginine, an amino acid with highly dissimilar properties. This amino acid position is conserved. In addition, this alteration is predicted to be deleterious by in silico analysis. Based on the available evidence, the clinical significance of this variant remains unclear.

GeneDx
Classification: Uncertain significance. Last evaluated: 2023-04-24. Review status: criteria provided, single submitter. Criteria: GeneDx Variant Classification Process June 2021. Collection method: clinical testing. Allele origin: germline. Affected: yes.
Comment: Not observed at significant frequency in large population cohorts (gnomAD); In silico analysis supports that this missense variant has a deleterious effect on protein structure/function; Has not been previously published as pathogenic or benign to our knowledge

CeGaT Center for Human Genetics Tuebingen
Classification: Uncertain significance. Last evaluated: 2022-05-01. Review status: criteria provided, single submitter. Criteria: CeGaT Center For Human Genetics Tuebingen Variant Classification Criteria Version 2. Collection method: clinical testing. Allele origin: germline. Affected: yes. Observed: 1 variant allele.
Comment: POLE: PM2

NM_006231.4(POLE):c.6442T>C (p.Cys2148Arg)

Gene: POLE (DNA polymerase epsilon, catalytic subunit; minus strand). Cytogenetic location: 12q24.33.
Variant type: single nucleotide variant.
Coding change: c.6442T>C on transcript NM_006231.4 (MANE Select); coding-DNA position 6442, T replaced by C.
Protein change: p.Cys2148Arg; replaces cysteine 2148 with arginine.
Molecular consequence: missense variant.
Genome position (GRCh38, 1-based): chr12:132,626,206, A>G on the plus strand (T>C on the coding strand, the complement: POLE is on the minus strand). VCF-style: chr12-132626206-A-G. GRCh37 (hg19) VCF-style: chr12-133202792-A-G.
Other names: short protein forms C2148R.
Identifiers: ClinVar variation 858788 (VCV000858788.41), dbSNP rs2041835652, ClinGen allele CA387367534.